The following is an entry in ClinVar:

NM_174936.4(PCSK9):c.1682-4C>T

Gene: PCSK9 (proprotein convertase subtilisin/kexin type 9; plus strand). Cytogenetic location: 1p32.3.
Variant type: single nucleotide variant.
Coding change: c.1682-4C>T on transcript NM_174936.4 (MANE Select); 4 bases into the intron before coding-DNA position 1682, C replaced by T.
Molecular consequence: intron variant. On other transcripts: non-coding transcript variant (2).
Genome position (GRCh38, 1-based): chr1:55,061,371, C>T. VCF-style: chr1-55061371-C-T. GRCh37 (hg19) VCF-style: chr1-55527044-C-T.
Other names: c.1307-4C>T (NM_001407246.1); c.1805-4C>T (NM_001407240.1); c.1685-4C>T (NM_001407242.1); c.1724-4C>T (NM_001407241.1); c.1508-4C>T (NM_001407244.1); c.1181-4C>T (NM_001407247.1); c.1625-4C>T (NM_001407243.1); c.1490-4C>T (NM_001407245.1).
Identifiers: ClinVar variation 3387456 (VCV003387456.2).

ClinVar aggregate classification (germline): Likely benign. Review status: criteria provided, multiple submitters, no conflicts (2 of 4 stars). 2 submissions from 2 submitters: Likely benign (2). Last evaluated 2025-05-02.

Conditions:
Hypercholesterolemia, autosomal dominant, 3 (FHCL3). Also called: Familial Hypercholesterolemia, Autosomal Dominant, 3; PCSK9-Related Familial Hypercholesterolemia, Autosomal Dominant; Familial hypercholesterolemia 3. Identifiers: MedGen C1863551, MONDO:0011369, OMIM 603776.

Submissions (2):

Women's Health and Genetics/Laboratory Corporation of America, LabCorp
Classification: Likely benign. Last evaluated: 2025-05-02. Review status: criteria provided, single submitter. Criteria: LabCorp Variant Classification Summary - May 2015. Collection method: clinical testing. Allele origin: germline.
Comment: Variant summary: PCSK9 c.1682-4C>T alters a non-conserved nucleotide located at a position not widely known to affect splicing. Consensus agreement among computation tools predict no significant impact on normal splicing. However, these predictions have yet to be confirmed by functional studies. The frequency data for this variant in gnomAD is considered unreliable, as metrics indicate poor data quality at this position. To our knowledge, no occurrence of c.1682-4C>T in individuals affected with Familial Hypercholesterolemia and no experimental evidence demonstrating its impact on protein function have been reported. ClinVar contains an entry for this variant (Variation ID: 3387456). Based on the evidence outlined above, the variant was classified as likely benign.

All of Us Research Program, National Institutes of Health
Classification: Likely benign for Hypercholesterolemia, autosomal dominant, 3. Last evaluated: 2024-05-14. Review status: criteria provided, single submitter. Criteria: ACMG Guidelines, 2015. Collection method: clinical testing. Allele origin: germline. Inheritance: Autosomal dominant inheritance. Observed: 1 variant allele, 1 heterozygote.
Comment: This study involves interpretation of variants in research participants for the purpose of population health screening. Participant phenotype was not available at the time of variant classification. Additional details can be found in publication PMID: 35346344, PMCID: PMC8962531